The following is an entry in ClinVar:

NM_001018077.1(NR3C1):c.-1008C>T

Gene: NR3C1 (nuclear receptor subfamily 3 group C member 1; minus strand). Cytogenetic location: 5q31.3.
Variant type: single nucleotide variant.
Coding change: c.-1008C>T on transcript NM_001018077.1; 1008 bases upstream of the start codon, C replaced by T.
Genome position (GRCh38, 1-based): chr5:143,435,526, G>A on the plus strand (C>T on the coding strand, the complement: NR3C1 is on the minus strand). VCF-style: chr5-143435526-G-A. GRCh37 (hg19) VCF-style: chr5-142815091-G-A.
Identifiers: ClinVar variation 907693 (VCV000907693.6), dbSNP rs72555796, ClinGen allele CA129268630.
Genomic context (GRCh38, chr5:143,435,526, plus strand): 5'-GAAGAGGTACCTTTTGAATGGGGTGAAAGCAAACCCTTACATAACCTGACCACACAATAG[G>A]AGGAAATGAAAACTTGGGTTCAAGGGCAATTTTGTCATTGGTTATTAGTCTGTGTCATCA-3'

ClinVar aggregate classification (germline): Likely benign (1 of 4 stars; one submission).

Conditions:
Glucocorticoid resistance. Also called: Glucocorticoid resistance, generalized; Gccr deficiency; Glucocorticoid receptor deficiency; Cortisol resistance from glucocorticoid receptor defect; Gcr deficiency. Identifiers: Orphanet 786, MedGen C1841972, MONDO:0014421, OMIM 615962.

Allele frequency attached by ClinVar (database versions not stated): gnomAD 0.00143 and 0.00081; 1000 Genomes Project 30x 0.00547; gnomAD exomes 0.00019; TOPMed 0.00131; 1000 Genomes Project 0.00579.

Submission:

Illumina Laboratory Services, Illumina
Classification: Likely benign for Glucocorticoid resistance. Last evaluated: 2018-01-13. Review status: criteria provided, single submitter. Criteria: ICSL Variant Classification Criteria 13 December 2019. Collection method: clinical testing. Allele origin: germline.
Comment: This variant was observed in the ICSL laboratory as part of a predisposition screen in an ostensibly healthy population. It had not been previously curated by ICSL or reported in the Human Gene Mutation Database (HGMD: prior to June 1st, 2018), and was therefore a candidate for classification through an automated scoring system. Utilizing variant allele frequency, disease prevalence and penetrance estimates, and inheritance mode, an automated score was calculated to assess if this variant is too frequent to cause the disease. Based on the score and internal cut-off values, a variant classified as likely benign is not then subjected to further curation. The score for this variant resulted in a classification of likely benign for this disease.